The following is an entry in ClinVar:

NM_152564.5(VPS13B):c.8795A>G (p.Asn2932Ser)

Gene: VPS13B (vacuolar protein sorting 13 homolog B; plus strand). Cytogenetic location: 8q22.2.
Variant type: single nucleotide variant.
Coding change: c.8795A>G on transcript NM_152564.5 (MANE Select); coding-DNA position 8795, A replaced by G.
Protein change: p.Asn2932Ser; replaces asparagine 2932 with serine.
Molecular consequence: missense variant.
Genome position (GRCh38, 1-based): chr8:99,819,923, A>G. VCF-style: chr8-99819923-A-G. GRCh37 (hg19) VCF-style: chr8-100832151-A-G.
Other names: c.8870A>G, p.Asn2957Ser (NM_017890.5); short protein forms N2932S, N2957S.
Identifiers: ClinVar variation 3350520 (VCV003350520.2).

ClinVar aggregate classification (germline): Uncertain significance (1 of 4 stars; one submission).

Conditions:
VPS13B-related disorder. Also called: VPS13B-related condition.

gnomAD v4.1: 4 of 1,613,956 alleles (0.00025%); highest among the groups gnomAD compares: African/African-American, 0.0027%; no homozygotes.

Submission:

PreventionGenetics, part of Exact Sciences
Classification: Uncertain significance for VPS13B-related condition. Last evaluated: 2026-08-25. Review status: criteria provided, single submitter. Criteria: ACMG Guidelines, 2015. Collection method: clinical testing. Allele origin: germline.
Comment: The VPS13B c.8795A>G variant is predicted to result in the amino acid substitution p.Asn2932Ser. To our knowledge, this variant has not been reported in the literature or in a large population database (gnomAD), indicating this variant is rare. At this time, the clinical significance of this variant is uncertain due to the absence of conclusive functional and genetic evidence.